The following is an entry in ClinVar:

ClinVar aggregate classification (germline): Likely pathogenic (1 of 4 stars; one submission).

Conditions:
Alstrom syndrome (ALMS). Identifiers: Orphanet 64, MedGen C0268425, MONDO:0008763, OMIM 203800.

Submission:

Labcorp Genetics (formerly Invitae), Labcorp
Classification: Likely pathogenic for Alstrom syndrome. Last evaluated: 2022-02-04. Review status: criteria provided, single submitter. Criteria: Invitae Variant Classification Sherloc (09022015). Collection method: clinical testing. Allele origin: unknown.
Comment: In summary, the currently available evidence indicates that the variant is pathogenic, but additional data are needed to prove that conclusively. Therefore, this variant has been classified as Likely Pathogenic. This variant has not been reported in the literature in individuals affected with ALMS1-related conditions. This variant results in the deletion of exon 9 and part of exon 8 (c.6139_7678-6143del) of the ALMS1 gene. It is expected to disrupt RNA splicing. Variants that disrupt the donor or acceptor splice site typically lead to a loss of protein function (PMID: 16199547), and loss-of-function variants in ALMS1 are known to be pathogenic (PMID: 17594715).

Literature cited by the submitters: PubMed 16199547; PubMed 17594715.

NC_000002.11:g.(?_73679790)_(73710618_?)del

Gene: ALMS1 (ALMS1 centrosome and basal body associated protein; plus strand). Cytogenetic location: 2p13.1.
Variant type: Deletion.
Identifiers: ClinVar variation 3247165 (VCV003247165.1).